The following is an entry in ClinVar:

ClinVar aggregate classification (germline): Uncertain significance (1 of 4 stars; one submission).

Submission:

Labcorp Genetics (formerly Invitae), Labcorp
Classification: Uncertain significance. Last evaluated: 2023-06-29. Review status: criteria provided, single submitter. Criteria: Invitae Variant Classification Sherloc (09022015). Collection method: clinical testing. Allele origin: germline.
Comment: This variant is not present in population databases (gnomAD no frequency). This sequence change replaces lysine, which is basic and polar, with asparagine, which is neutral and polar, at codon 237 of the EIF2B2 protein (p.Lys237Asn). This variant has not been reported in the literature in individuals affected with EIF2B2-related conditions. ClinVar contains an entry for this variant (Variation ID: 2098896). Advanced modeling of protein sequence and biophysical properties (such as structural, functional, and spatial information, amino acid conservation, physicochemical variation, residue mobility, and thermodynamic stability) performed at Invitae indicates that this missense variant is not expected to disrupt EIF2B2 protein function. In summary, the available evidence is currently insufficient to determine the role of this variant in disease. Therefore, it has been classified as a Variant of Uncertain Significance.

NM_014239.4(EIF2B2):c.711G>C (p.Lys237Asn)

Gene: EIF2B2 (eukaryotic translation initiation factor 2B subunit beta; plus strand). Cytogenetic location: 14q24.3.
Variant type: single nucleotide variant.
Coding change: c.711G>C on transcript NM_014239.4 (MANE Select); coding-DNA position 711, G replaced by C.
Protein change: p.Lys237Asn; replaces lysine 237 with asparagine.
Molecular consequence: missense variant.
Genome position (GRCh38, 1-based): chr14:75,006,594, G>C. VCF-style: chr14-75006594-G-C. GRCh37 (hg19) VCF-style: chr14-75473297-G-C.
Other names: short protein forms K237N.
Identifiers: ClinVar variation 2098896 (VCV002098896.4), dbSNP rs2503007936, ClinGen allele CA390427151.
Genomic context (GRCh38, chr14:75,006,594, plus strand): 5'-CTCCACCCCCAGGATGGCTCACATTTTTTGTCTTGTCCCAAAGGTGATCATTGGCACGAA[G>C]ACCATCCTGGCCAATGGGGCCCTGAGAGCTGTGACAGGAACTCACACTCTGGCACTGGCA-3'
Protein context (NP_055054.1, residues 227-247): SRVNKVIIGT[Lys237Asn]TILANGALRA